The following is an entry in ClinVar:

NM_001370259.2(MEN1):c.152dup (p.Asn51fs)

Gene: MEN1 (menin 1; minus strand). Cytogenetic location: 11q13.1.
Variant type: Duplication.
Coding change: c.152dup on transcript NM_001370259.2 (MANE Select); coding-DNA position 152, one base duplicated (A; older notation c.152dupA).
Protein change: p.Asn51fs; shifts the reading frame from asparagine 51.
Molecular consequence: frameshift variant.
Genome position (GRCh38, 1-based): chr11:64,809,958, T duplicated on the plus strand (A on the coding strand, the reverse complement: MEN1 is on the minus strand); the first of 2 consecutive T bases (chr11:64,809,958-64,809,959); duplicating either gives the same sequence. VCF-style (leftmost placement, unchanged base first): chr11-64809957-G-GT. GRCh37 (hg19) VCF-style: chr11-64577429-G-GT.
Other names: c.152dup, p.Asn51fs (NM_000244.4, NM_001370251.2, NM_001370260.2 and 9 more transcripts); short protein forms N51fs.
Identifiers: ClinVar variation 1453611 (VCV001453611.7), dbSNP rs869312167, ClinGen allele CA2573147365.

ClinVar aggregate classification (germline): Pathogenic (1 of 4 stars; one submission).

Conditions:
Multiple endocrine neoplasia, type 1 (MEN1). Also called: Endocrine adenomatosis multiple; MEN 1; MEA I; MEN I; WERMER SYNDROME. Identifiers: Orphanet 652, MedGen C0025267, MeSH D018761, MONDO:0007540, OMIM 131100.

Submission:

Labcorp Genetics (formerly Invitae), Labcorp
Classification: Pathogenic for Multiple endocrine neoplasia, type 1. Last evaluated: 2021-10-01. Review status: criteria provided, single submitter. Criteria: Invitae Variant Classification Sherloc (09022015). Collection method: clinical testing. Allele origin: germline.
Comment: This sequence change creates a premature translational stop signal (p.Asn51Lysfs*66) in the MEN1 gene. It is expected to result in an absent or disrupted protein product. Loss-of-function variants in MEN1 are known to be pathogenic (PMID: 12112656, 17853334). This variant is not present in population databases (ExAC no frequency). This variant has not been reported in the literature in individuals affected with MEN1-related conditions. For these reasons, this variant has been classified as Pathogenic.

Literature cited by the submitters: PubMed 12112656; PubMed 17853334.